The following is an entry in ClinVar:

NM_000079.4(CHRNA1):c.1188C>G (p.Ile396Met)

Gene: CHRNA1 (cholinergic receptor nicotinic alpha 1 subunit; minus strand). Cytogenetic location: 2q31.1.
Variant type: single nucleotide variant.
Coding change: c.1188C>G on transcript NM_000079.4 (MANE Select); coding-DNA position 1188, C replaced by G.
Protein change: p.Ile396Met; replaces isoleucine 396 with methionine.
Molecular consequence: missense variant.
Genome position (GRCh38, 1-based): chr2:174,748,634, G>C on the plus strand (C>G on the coding strand, the complement: CHRNA1 is on the minus strand). VCF-style: chr2-174748634-G-C. GRCh37 (hg19) VCF-style: chr2-175613362-G-C.
Other names: c.1263C>G, p.Ile421Met (NM_001039523.3); short protein forms I396M, I421M.
Identifiers: ClinVar variation 4282171 (VCV004282171.1).

ClinVar aggregate classification (germline): Uncertain significance (1 of 4 stars; one submission).

Submission:

GeneDx
Classification: Uncertain significance. Last evaluated: 2025-04-17. Review status: criteria provided, single submitter. Criteria: GeneDx Variant Classification Process June 2021. Collection method: clinical testing. Allele origin: germline. Affected: yes.
Comment: Not observed at significant frequency in large population cohorts (gnomAD); In silico analysis indicates that this missense variant does not alter protein structure/function; Has not been previously published as pathogenic or benign to our knowledge